The following is an entry in ClinVar:

ClinVar aggregate classification (germline): Likely benign (1 of 4 stars; one submission).

Allele frequency attached by ClinVar (database versions not stated): gnomAD 0.00002 and 0.00005; TOPMed 0.00002 and 0.00004; gnomAD exomes 0.00013; ExAC 0.00019.
gnomAD v4.1: 114 of 1,209,773 alleles (0.0094%); highest among the groups gnomAD compares: Non-Finnish European, 0.0083%; no homozygotes.

Submission:

CeGaT Center for Human Genetics Tuebingen
Classification: Likely benign. Last evaluated: 2022-11-01. Review status: criteria provided, single submitter. Criteria: CeGaT Center For Human Genetics Tuebingen Variant Classification Criteria Version 2. Collection method: clinical testing. Allele origin: germline. Affected: yes. Observed: 1 variant allele.
Comment: ZNF41: BP4, BS2

NM_001324144.2(ZNF41):c.2309G>C (p.Ser770Thr)

Gene: ZNF41 (zinc finger protein 41; minus strand). Cytogenetic location: Xp11.3.
Variant type: single nucleotide variant.
Coding change: c.2309G>C on transcript NM_001324144.2 (MANE Select); coding-DNA position 2309, G replaced by C.
Protein change: p.Ser770Thr; replaces serine 770 with threonine.
Molecular consequence: missense variant.
Genome position (GRCh38, 1-based): chrX:47,447,461, C>G on the plus strand (G>C on the coding strand, the complement: ZNF41 is on the minus strand). VCF-style: chrX-47447461-C-G. GRCh37 (hg19) VCF-style: chrX-47306860-C-G.
Other names: c.2051G>C, p.Ser684Thr (NM_001324139.2, NM_001324141.2, NM_001324143.2 and 3 more transcripts); c.2309G>C, p.Ser770Thr (NM_001324140.2, NM_001324147.2, NM_001324150.2 and 2 more transcripts); c.2315G>C, p.Ser772Thr (NM_001324142.2, NM_001324148.2); c.2339G>C, p.Ser780Thr (NM_001324151.2, NM_001324153.2); c.2411G>C, p.Ser804Thr (NM_001324154.1); c.2435G>C, p.Ser812Thr (NM_001324155.1); c.2207G>C, p.Ser736Thr (NM_001324156.1); c.2201G>C, p.Ser734Thr (NM_001324157.1); short protein forms S770T, S684T, S734T, S780T, S772T, S804T, S812T, S736T.
Identifiers: ClinVar variation 2660423 (VCV002660423.24), dbSNP rs201039022, ClinGen allele CA10397600.